The following is an entry in ClinVar:

ClinVar aggregate classification (germline): Uncertain significance (1 of 4 stars; one submission).

Conditions:
Autosomal dominant Parkinson disease 8. Also called: Parkinson disease 8; Parkinson disease 8, susceptibility to; LRRK2-Related Parkinson Disease. Identifiers: Orphanet 411602, MedGen C1846862, MONDO:0011764, OMIM 607060.

gnomAD v4.1: 17 of 1,614,108 alleles (0.0011%); highest among the groups gnomAD compares: Non-Finnish European, 0.0012%; no homozygotes.

Submission:

Labcorp Genetics (formerly Invitae), Labcorp
Classification: Uncertain significance for Autosomal dominant Parkinson disease 8. Last evaluated: 2022-04-01. Review status: criteria provided, single submitter. Criteria: Invitae Variant Classification Sherloc (09022015). Collection method: clinical testing. Allele origin: germline.
Comment: In summary, the available evidence is currently insufficient to determine the role of this variant in disease. Therefore, it has been classified as a Variant of Uncertain Significance. Algorithms developed to predict the effect of missense changes on protein structure and function output the following: SIFT: "Tolerated"; PolyPhen-2: "Benign"; Align-GVGD: "Class C0". The leucine amino acid residue is found in multiple mammalian species, which suggests that this missense change does not adversely affect protein function. This variant has not been reported in the literature in individuals affected with LRRK2-related conditions. This variant is present in population databases (no rsID available, gnomAD 0.002%). This sequence change replaces methionine, which is neutral and non-polar, with leucine, which is neutral and non-polar, at codon 2155 of the LRRK2 protein (p.Met2155Leu).

NM_198578.4(LRRK2):c.6463A>T (p.Met2155Leu)

Gene: LRRK2 (leucine rich repeat kinase 2; plus strand). Cytogenetic location: 12q12.
Variant type: single nucleotide variant.
Coding change: c.6463A>T on transcript NM_198578.4 (MANE Select); coding-DNA position 6463, A replaced by T.
Protein change: p.Met2155Leu; replaces methionine 2155 with leucine.
Molecular consequence: missense variant.
Genome position (GRCh38, 1-based): chr12:40,351,620, A>T. VCF-style: chr12-40351620-A-T. GRCh37 (hg19) VCF-style: chr12-40745422-A-T.
Other names: short protein forms M2155L.
Identifiers: ClinVar variation 2164810 (VCV002164810.3), dbSNP rs201614703, ClinGen allele CA384406821.